The following is an entry in ClinVar:

NM_000392.5(ABCC2):c.3542G>T (p.Arg1181Leu)

Gene: ABCC2 (ATP binding cassette subfamily C member 2; plus strand). Cytogenetic location: 10q24.2.
Variant type: single nucleotide variant.
Coding change: c.3542G>T on transcript NM_000392.5 (MANE Select); coding-DNA position 3542, G replaced by T.
Protein change: p.Arg1181Leu; replaces arginine 1181 with leucine.
Molecular consequence: missense variant.
Genome position (GRCh38, 1-based): chr10:99,836,218, G>T. VCF-style: chr10-99836218-G-T. GRCh37 (hg19) VCF-style: chr10-101595975-G-T.
Other names: c.3542G>T, p.Arg1181Leu (LRG_1208t1); short protein forms R1181L.
Identifiers: ClinVar variation 195851 (VCV000195851.22), dbSNP rs8187692, ClinGen allele CA201964.
Genomic context (GRCh38, chr10:99,836,218, plus strand): 5'-CTCACTTCAGCGAGACCGTATCAGGTTTGCCAGTTATCCGTGCCTTTGAGCACCAGCAGC[G>T]ATTTCTGAAACACAATGAGGTGAGGATTGACACCAACCAGAAATGTGTCTTTTCCTGGAT-3'
Protein context (NP_000383.2, residues 1171-1191): PVIRAFEHQQ[Arg1181Leu]FLKHNEVRID

ClinVar aggregate classification (germline): Benign/Likely benign. Review status: criteria provided, multiple submitters, no conflicts (2 of 4 stars). 7 submissions from 7 submitters: Benign (4); Likely benign (2). 1 of the submissions does not count toward it. Last evaluated 2026-01-31.

Conditions:
ABCC2-related disorder. Also called: ABCC2-related condition.
Dubin-Johnson syndrome (DJS). Also called: HYPERBILIRUBINEMIA, DUBIN-JOHNSON TYPE; Jaundice, Chronic Idiopathic; Hyperbilirubinemia type 2. Identifiers: Orphanet 234, MedGen C0022350, MONDO:0009380, OMIM 237500.

Allele frequency attached by ClinVar (database versions not stated): TOPMed 0.02998; ESP Exome Variant Server 0.03260; 1000 Genomes Project 0.03355.
gnomAD v4.1: 8,579 of 1,614,136 alleles (0.53%); highest among the groups gnomAD compares: African/African-American, 9.3%; 361 homozygotes.

Submissions (7):

Labcorp Genetics (formerly Invitae), Labcorp
Classification: Benign. Last evaluated: 2026-01-31. Review status: criteria provided, single submitter. Criteria: Invitae Variant Classification Sherloc (09022015). Collection method: clinical testing. Allele origin: germline.

GeneDx
Classification: Benign. Last evaluated: 2021-06-09. Review status: criteria provided, single submitter. Criteria: GeneDx Variant Classification Process June 2021. Collection method: clinical testing. Allele origin: germline. Affected: yes.
Comment: This variant is associated with the following publications: (PMID: 22290738)

Mayo Clinic Laboratories, Mayo Clinic
Classification: Benign. Last evaluated: 2021-04-23. Review status: criteria provided, single submitter. Criteria: ACMG Guidelines, 2015. Collection method: clinical testing. Allele origin: germline. Observed: 25 variant alleles.

Illumina Laboratory Services, Illumina
Classification: Likely benign for Dubin-Johnson syndrome. Last evaluated: 2017-04-27. Review status: criteria provided, single submitter. Criteria: ICSL Variant Classification Criteria 13 December 2019. Collection method: clinical testing. Allele origin: germline.
Comment: This variant was observed as part of a predisposition screen in an ostensibly healthy population. A literature search was performed for the gene, cDNA change, and amino acid change (where applicable). No publications were found based on this search. Allele frequency data from public databases allowed determination this variant is unlikely to cause disease. Therefore, this variant is classified as likely benign.

Eurofins Ntd Llc (ga)
Classification: Benign. Last evaluated: 2015-04-02. Review status: criteria provided, single submitter. Criteria: EGL Classification Definitions 2015. Collection method: clinical testing. Allele origin: germline. Observed: 1 variant allele, 1 heterozygote.

Breakthrough Genomics
Classification: Likely benign. Review status: criteria provided, single submitter. Criteria: ACMG Guidelines, 2015. Collection method: not provided. Allele origin: germline. Inheritance: Autosomal recessive inheritance. Affected: yes.

PreventionGenetics, part of Exact Sciences
Classification: Benign for ABCC2-related condition. Last evaluated: 2019-08-29. Review status: no assertion criteria provided. Collection method: clinical testing. Allele origin: germline. Not counted in ClinVar's aggregate classification.
Comment: This variant is classified as benign based on ACMG/AMP sequence variant interpretation guidelines (Richards et al. 2015 PMID: 25741868, with internal and published modifications).